The following is an entry in ClinVar:

ClinVar aggregate classification (germline): Uncertain significance. Review status: criteria provided, multiple submitters, no conflicts (2 of 4 stars). 5 submissions from 5 submitters: Uncertain significance (5). Last evaluated 2025-04-11.

Conditions:
PLEC-related disorder. Also called: PLEC-related disorders; PLEC-related condition.
Epidermolysis bullosa simplex 5B, with muscular dystrophy (EBS5B). Also called: Epidermolysis bullosa simplex with muscular dystrophy; EPIDERMOLYSIS BULLOSA SIMPLEX AND LIMB-GIRDLE MUSCULAR DYSTROPHY. Identifiers: Orphanet 257, MedGen C2931072, MONDO:0009181, OMIM 226670.
Epidermolysis bullosa simplex, Ogna type (EBS5A). Also called: Pidermolysis bullosa simplex 5A, Ogna type; EPIDERMOLYSIS BULLOSA SIMPLEX 5A, OGNA TYPE. Identifiers: Orphanet 79401, MedGen C0432317, MONDO:0007555, OMIM 131950.
Epidermolysis bullosa simplex 5C, with pyloric atresia (EBS5C). Also called: PLEC-Related Epidermolysis Bullosa with Pyloric Atresia; Epidermolysis bullosa simplex with pyloric atresia; PLEC1-Related Epidermolysis Bullosa with Pyloric Atresia. Identifiers: Orphanet 158684, MedGen C2677349, MONDO:0012807, OMIM 612138.
Autosomal recessive limb-girdle muscular dystrophy type 2Q (LGMDR17). Also called: MUSCULAR DYSTROPHY, LIMB-GIRDLE, AUTOSOMAL RECESSIVE 17. Identifiers: Orphanet 254361, MedGen C3150989, MONDO:0013390, OMIM 613723.
Epidermolysis bullosa simplex with nail dystrophy (EBS5D). Identifiers: MedGen C4225309, MONDO:0014661, OMIM 616487.
Inborn genetic diseases. Identifiers: MedGen C0950123, MeSH D030342.

Allele frequency attached by ClinVar (database versions not stated): gnomAD 0.00002 and 0.00003; ExAC 0.00003; TOPMed 0.00005.
gnomAD v4.1: 29 of 1,612,456 alleles (0.0018%); highest among the groups gnomAD compares: Non-Finnish European, 0.0022%; no homozygotes.

Submissions (5):

Labcorp Genetics (formerly Invitae), Labcorp
Classification: Uncertain significance for Autosomal recessive limb-girdle muscular dystrophy type 2Q; Epidermolysis bullosa simplex, Ogna type; Epidermolysis bullosa simplex with nail dystrophy; Epidermolysis bullosa simplex 5C, with pyloric atresia; Epidermolysis bullosa simplex 5B, with muscular dystrophy. Last evaluated: 2025-04-11. Review status: criteria provided, single submitter. Criteria: Invitae Variant Classification Sherloc (09022015). Collection method: clinical testing. Allele origin: germline.
Comment: This sequence change replaces leucine, which is neutral and non-polar, with phenylalanine, which is neutral and non-polar, at codon 639 of the PLEC protein (p.Leu639Phe). This variant is present in population databases (rs782249405, gnomAD 0.006%). This variant has not been reported in the literature in individuals affected with PLEC-related conditions. ClinVar contains an entry for this variant (Variation ID: 598573). Invitae Evidence Modeling of protein sequence and biophysical properties (such as structural, functional, and spatial information, amino acid conservation, physicochemical variation, residue mobility, and thermodynamic stability) has been performed for this missense variant. However, the output from this modeling did not meet the statistical confidence thresholds required to predict the impact of this variant on PLEC protein function. In summary, the available evidence is currently insufficient to determine the role of this variant in disease. Therefore, it has been classified as a Variant of Uncertain Significance.

Ambry Genetics
Classification: Uncertain significance for Inborn genetic diseases. Last evaluated: 2024-12-17. Review status: criteria provided, single submitter. Criteria: Ambry Variant Classification Scheme 2023. Collection method: clinical testing. Allele origin: germline.

PreventionGenetics, part of Exact Sciences
Classification: Uncertain significance for PLEC-related condition. Last evaluated: 2023-05-01. Review status: criteria provided, single submitter. Criteria: ACMG Guidelines, 2015. Collection method: clinical testing. Allele origin: germline.
Comment: The PLEC c.1915C>T variant is predicted to result in the amino acid substitution p.Leu639Phe. To our knowledge, this variant has not been reported in the literature. This variant is reported in 0.0056% of alleles in individuals of European (Non-Finnish) descent in gnomAD. At this time, the clinical significance of this variant is uncertain due to the absence of conclusive functional and genetic evidence.

Revvity Omics, Revvity
Classification: Uncertain significance. Last evaluated: 2021-06-16. Review status: criteria provided, single submitter. Criteria: ACMG Guidelines, 2015. Collection method: clinical testing. Allele origin: germline.

Eurofins Ntd Llc (ga)
Classification: Uncertain significance. Last evaluated: 2018-08-30. Review status: criteria provided, single submitter. Criteria: EGL ClinVar v180209 classification definitions. Collection method: clinical testing. Allele origin: germline. Observed: 1 variant allele, 1 heterozygote.

NM_201384.3(PLEC):c.1834C>T (p.Leu612Phe)

Gene: PLEC (plectin; minus strand). Cytogenetic location: 8q24.3.
Variant type: single nucleotide variant.
Coding change: c.1834C>T on transcript NM_201384.3 (MANE Select); coding-DNA position 1834, C replaced by T.
Protein change: p.Leu612Phe; replaces leucine 612 with phenylalanine.
Molecular consequence: missense variant.
Genome position (GRCh38, 1-based): chr8:143,932,543, G>A on the plus strand (C>T on the coding strand, the complement: PLEC is on the minus strand). VCF-style: chr8-143932543-G-A. GRCh37 (hg19) VCF-style: chr8-145006711-G-A.
Other names: c.1915C>T, p.Leu639Phe (NM_000445.5); c.1792C>T, p.Leu598Phe (NM_201378.4); c.1768C>T, p.Leu590Phe (NM_201379.3); c.2245C>T, p.Leu749Phe (NM_201380.4); c.1738C>T, p.Leu580Phe (NM_201381.3); c.1834C>T, p.Leu612Phe (NM_201382.4); c.1846C>T, p.Leu616Phe (NM_201383.3); c.1915C>T (NM_000445.4, NM_000445.3); short protein forms L590F, L598F, L639F, L580F, L749F, L612F, L616F.
Identifiers: ClinVar variation 598573 (VCV000598573.14), dbSNP rs782249405, ClinGen allele CA4927818.